The following is an entry in ClinVar:

NM_017780.4(CHD7):c.8538_8549dup (p.Lys2846_Glu2849dup)

Gene: CHD7 (chromodomain helicase DNA binding protein 7; plus strand). Cytogenetic location: 8q12.2.
Variant type: Duplication.
Coding change: c.8538_8549dup on transcript NM_017780.4 (MANE Select); coding-DNA positions 8538 to 8549, 12 bases duplicated (AGGAAATGAGAA).
Protein change: p.Lys2846_Glu2849dup.
Molecular consequence: inframe insertion.
Genome position (GRCh38, 1-based): chr8:60,865,477-60,865,488, AGGAAATGAGAA duplicated; duplicating any 12 consecutive bases within chr8:60,865,472-60,865,488 gives the same sequence; the c. name uses the placement nearest the transcript's 3' end. VCF-style (leftmost placement, unchanged base first): chr8-60865471-G-GGAGAAAGGAAAT. GRCh37 (hg19) VCF-style: chr8-61778030-G-GGAGAAAGGAAAT.
Other names: c.2391_2402dup, p.Lys797_Glu800dup (NM_001316690.1).
Identifiers: ClinVar variation 1052427 (VCV001052427.7), dbSNP rs2129765422, ClinGen allele CA2499219380.
Genomic context (GRCh38, chr8:60,865,471, plus strand): 5'-TGGAAACACCACTACTGCTTCTAGTCAAGGAGAACCGGAAGACAGCACTTCAAAAGGAGA[G>GGAGAAAGGAAAT]GAGAAAGGAAATGAGAATGAAGACGAGAACAAAGACTCTGAGAAAAGCACAGATGCTGTT-3'

ClinVar aggregate classification (germline): Uncertain significance (1 of 4 stars; one submission).

Conditions:
CHARGE syndrome (CHARGE). Also called: Hittner Hirsch Kreh syndrome; CHARGE ASSOCIATION--COLOBOMA, HEART ANOMALY, CHOANAL ATRESIA, RETARDATION, GENITAL AND EAR ANOMALIES; Coloboma, heart anomaly, choanal atresia, retardation, genital and ear anomalies; CHARGE association; Hall-Hittner syndrome. Identifiers: Orphanet 138, MedGen C0265354, MONDO:0008965.

Submission:

Labcorp Genetics (formerly Invitae), Labcorp
Classification: Uncertain significance for CHARGE syndrome. Last evaluated: 2021-11-24. Review status: criteria provided, single submitter. Criteria: Invitae Variant Classification Sherloc (09022015). Collection method: clinical testing. Allele origin: germline.
Comment: In summary, the available evidence is currently insufficient to determine the role of this variant in disease. Therefore, it has been classified as a Variant of Uncertain Significance. Experimental studies and prediction algorithms are not available or were not evaluated, and the functional significance of this variant is currently unknown. ClinVar contains an entry for this variant (Variation ID: 1052427). This variant has not been reported in the literature in individuals affected with CHD7-related conditions. This variant is not present in population databases (gnomAD no frequency). This variant, c.8538_8549dup, results in the insertion of 4 amino acid(s) of the CHD7 protein (p.Lys2846_Glu2849dup), but otherwise preserves the integrity of the reading frame.